The following is an entry in ClinVar:

NM_006509.4(RELB):c.250T>C (p.Ser84Pro)

Gene: RELB (RELB proto-oncogene, NF-kB subunit; plus strand). Cytogenetic location: 19q13.32.
Variant type: single nucleotide variant.
Coding change: c.250T>C on transcript NM_006509.4 (MANE Select); coding-DNA position 250, T replaced by C.
Protein change: p.Ser84Pro; replaces serine 84 with proline.
Molecular consequence: missense variant.
Genome position (GRCh38, 1-based): chr19:45,012,022, T>C. VCF-style: chr19-45012022-T-C. GRCh37 (hg19) VCF-style: chr19-45515280-T-C.
Other names: c.250T>C (NM_006509.3); short protein forms S84P.
Identifiers: ClinVar variation 1407412 (VCV001407412.7), dbSNP rs754432034, ClinGen allele CA9507520.

ClinVar aggregate classification (germline): Uncertain significance. Review status: criteria provided, multiple submitters, no conflicts (2 of 4 stars). 2 submissions from 2 submitters: Uncertain significance (2). Last evaluated 2025-11-04.

Allele frequency attached by ClinVar (database versions not stated): gnomAD 0.00005 and 0.00006; TOPMed 0.00005; gnomAD exomes 0.00009 and 0.00018; ExAC 0.00015.
gnomAD v4.1: 267 of 1,573,528 alleles (0.017%); highest among the groups gnomAD compares: Non-Finnish European, 0.022%; 1 homozygote.

Submissions (2):

Labcorp Genetics (formerly Invitae), Labcorp
Classification: Uncertain significance. Last evaluated: 2025-11-04. Review status: criteria provided, single submitter. Criteria: Invitae Variant Classification Sherloc (09022015). Collection method: clinical testing. Allele origin: germline.
Comment: This sequence change replaces serine, which is neutral and polar, with proline, which is neutral and non-polar, at codon 84 of the RELB protein (p.Ser84Pro). This variant is present in population databases (rs754432034, gnomAD 0.02%). This variant has not been reported in the literature in individuals affected with RELB-related conditions. ClinVar contains an entry for this variant (Variation ID: 1407412). An algorithm developed to predict the effect of missense changes on protein structure and function outputs the following: PolyPhen-2: "Benign". The proline amino acid residue is found in multiple mammalian species, which suggests that this missense change does not adversely affect protein function. In summary, the available evidence is currently insufficient to determine the role of this variant in disease. Therefore, it has been classified as a Variant of Uncertain Significance.

Ambry Genetics
Classification: Uncertain significance. Last evaluated: 2024-12-20. Review status: criteria provided, single submitter. Criteria: Ambry Variant Classification Scheme 2023. Collection method: clinical testing. Allele origin: germline.